The following is an entry in ClinVar:

NM_001267550.2(TTN):c.82208C>G (p.Ser27403Ter)

Genes: TTN (titin; minus strand), TTN-AS1 (TTN antisense RNA 1; plus strand). Cytogenetic location: 2q31.2.
Variant type: single nucleotide variant.
Coding change: c.82208C>G on transcript NM_001267550.2 (MANE Select); coding-DNA position 82208, C replaced by G.
Protein change: p.Ser27403Ter; replaces serine 27403 with a stop codon.
Molecular consequence: nonsense.
Genome position (GRCh38, 1-based): chr2:178,563,924, G>C on the plus strand (C>G on the coding strand, the complement: TTN is on the minus strand). VCF-style: chr2-178563924-G-C. GRCh37 (hg19) VCF-style: chr2-179428651-G-C.
Other names: c.77285C>G, p.Ser25762Ter (NM_001256850.1); c.55013C>G, p.Ser18338Ter (NM_003319.4); c.74504C>G, p.Ser24835Ter (NM_133378.4); c.55388C>G, p.Ser18463Ter (NM_133432.3); c.55589C>G, p.Ser18530Ter (NM_133437.4); short protein forms S18338*, S18463*, S18530*, S24835*, S25762*, S27403*.
Identifiers: ClinVar variation 993722 (VCV000993722.14), dbSNP rs1704654934, ClinGen allele CA349574885.

ClinVar aggregate classification (germline): Likely pathogenic. Review status: criteria provided, multiple submitters, no conflicts (2 of 4 stars). 2 submissions from 2 submitters: Likely pathogenic (2). Last evaluated 2021-10-19.

Conditions:
Dilated cardiomyopathy 1G (CMD1G). Identifiers: Orphanet 154, MedGen C1858763, MONDO:0011400, OMIM 604145.
Autosomal recessive limb-girdle muscular dystrophy type 2J (LGMDR10). Also called: MUSCULAR DYSTROPHY, LIMB-GIRDLE, AUTOSOMAL RECESSIVE 10; Limb-girdle muscular dystrophy, type 2J. Identifiers: Orphanet 140922, MedGen C1837342, MONDO:0012127, OMIM 608807.

Submissions (2):

Labcorp Genetics (formerly Invitae), Labcorp
Classification: Likely pathogenic for Dilated cardiomyopathy 1G; Autosomal recessive limb-girdle muscular dystrophy type 2J. Last evaluated: 2021-10-19. Review status: criteria provided, single submitter. Criteria: Invitae Variant Classification Sherloc (09022015). Collection method: clinical testing. Allele origin: germline.
Comment: In summary, the currently available evidence indicates that the variant is pathogenic, but additional data are needed to prove that conclusively. Therefore, this variant has been classified as Likely Pathogenic. This variant is located in the A band of TTN (PMID: 25589632). Truncating variants in this region are significantly overrepresented in patients affected with dilated cardiomyopathy (PMID: 25589632). Truncating variants in this region have also been reported in individuals affected with autosomal recessive centronuclear myopathy (PMID: 23975875). ClinVar contains an entry for this variant (Variation ID: 993722). This variant has not been reported in the literature in individuals affected with TTN-related conditions. This variant is not present in population databases (gnomAD no frequency). This sequence change creates a premature translational stop signal (p.Ser27403*) in the TTN gene. While this is not anticipated to result in nonsense mediated decay, it is expected to create a truncated TTN protein.

ARUP Laboratories, Molecular Genetics and Genomics, ARUP Laboratories
Classification: Likely pathogenic. Last evaluated: 2020-08-07. Review status: criteria provided, single submitter. Criteria: ARUP Molecular Germline Variant Investigation Process. Collection method: clinical testing. Allele origin: germline.
Comment: The TTN c.82208C>G; p.Ser27403Ter variant, to our knowledge, is not reported in the medical literature or gene-specific databases. This variant is also absent from general population databases (Exome Variant Server, Genome Aggregation Database), indicating it is not a common polymorphism. This variant induces an early termination codon in exon 327 and is predicted to result in a truncated protein or mRNA subject to nonsense-mediated decay. Exon 327 is spliced into 100% of TTN transcripts and encodes a segment of the A-band, a critical region of the TTN protein that interacts with myosin and which is disproportionately enriched with truncating variants in individuals affected with dilated cardiomyopathy (Roberts 2015, Schafer 2017). Based on available information, the p.Ser27403Ter variant is considered to be likely pathogenic. References: Linke WA and Hamdani N. Gigantic business: titin properties and function through thick and thin. Circ Res 2014; 114(6): 1052-1068. Roberts AM et al. Integrated allelic, transcriptional, and phenomic dissection of the cardiac effects of titin truncations in health and disease. Sci Transl Med. 2015; 7(270): 270ra6. Schafer S et al. Titin-truncating variants affect heart function in disease cohorts and the general population. Nat Genet. 2017;49(1):46-53.

Literature cited by the submitters: PubMed 25589632 (cited by Labcorp Genetics (formerly Invitae), Labcorp); PubMed 23975875 (cited by Labcorp Genetics (formerly Invitae), Labcorp).